The following is an entry in ClinVar:

NM_025136.4(OPA3):c.403G>A (p.Ala135Thr)

Genes: OPA3-RTN2 (OPA3-RTN2 readthrough; minus strand), OPA3 (outer mitochondrial membrane lipid metabolism regulator OPA3; minus strand). Cytogenetic location: 19q13.32.
Variant type: single nucleotide variant.
Coding change: c.403G>A on transcript NM_025136.4 (MANE Select); coding-DNA position 403, G replaced by A.
Protein change: p.Ala135Thr; replaces alanine 135 with threonine.
Molecular consequence: missense variant. On other transcripts: intron variant (1).
Genome position (GRCh38, 1-based): chr19:45,553,651, C>T on the plus strand (G>A on the coding strand, the complement: OPA3 is on the minus strand). VCF-style: chr19-45553651-C-T. GRCh37 (hg19) VCF-style: chr19-46056909-C-T.
Other names: c.143-24195G>A (NM_001017989.3); short protein forms A135T.
Identifiers: ClinVar variation 3765561 (VCV003765561.1).

ClinVar aggregate classification (germline): Uncertain significance (1 of 4 stars; one submission).

Submission:

Greenwood Genetic Center Diagnostic Laboratories, Greenwood Genetic Center
Classification: Uncertain significance. Last evaluated: 2024-07-01. Review status: criteria provided, single submitter. Criteria: ACMG Guidelines, 2015. Collection method: clinical testing. Allele origin: germline. Affected: yes.
Comment: PM2, BP4